The following is an entry in ClinVar:

NM_005219.5(DIAPH1):c.3613_3616del (p.Ala1205fs)

Gene: DIAPH1 (diaphanous related formin 1; minus strand). Cytogenetic location: 5q31.3.
Variant type: Deletion.
Coding change: c.3613_3616del on transcript NM_005219.5 (MANE Select); coding-DNA positions 3613 to 3616, 4 bases deleted (GCCC; older notation c.3613_3616delGCCC).
Protein change: p.Ala1205fs; shifts the reading frame from alanine 1205.
Molecular consequence: frameshift variant.
Genome position (GRCh38, 1-based): chr5:141,524,188-141,524,191, GGGC deleted on the plus strand (GCCC on the coding strand, the reverse complement: DIAPH1 is on the minus strand). VCF-style (leftmost placement, unchanged base first): chr5-141524187-AGGGC-A. GRCh37 (hg19) VCF-style: chr5-140903754-AGGGC-A.
Other names: c.3586_3589del, p.Ala1196fs (NM_001079812.3); c.3613_3616del, p.Ala1205fs (NM_001314007.2); short protein forms A1196fs, A1205fs.
Identifiers: ClinVar variation 3382060 (VCV003382060.2).

ClinVar aggregate classification (germline): Uncertain significance (1 of 4 stars; one submission).

Conditions:
Autosomal dominant nonsyndromic hearing loss 1. Also called: DEAFNESS, AUTOSOMAL DOMINANT 1, WITH OR WITHOUT THROMBOCYTOPENIA; KONIGSMARK SYNDROME. Identifiers: Orphanet 90635, MedGen C1852282, MONDO:0007424, OMIM 124900.
Progressive microcephaly-seizures-cortical blindness-developmental delay syndrome. Also called: Seizures, cortical blindness, and microcephaly syndrome. Identifiers: Orphanet 477814, MedGen C5567650, MONDO:0014714, OMIM 616632.

Submission:

Juno Genomics, Hangzhou Juno Genomics, Inc
Classification: Uncertain significance for Autosomal dominant nonsyndromic hearing loss 1; Progressive microcephaly-seizures-cortical blindness-developmental delay syndrome. Review status: criteria provided, single submitter. Criteria: ACMG Guidelines, 2015. Collection method: clinical testing. Allele origin: germline. Affected: yes.
Comment: Absent from controls (or at extremely low frequency if recessive) in Genome Aggregation Database, Exome Sequencing Project, 1000 Genomes Project, or Exome Aggregation Consortium.;Null variant in a gene where loss of function (LOF) is a known mechanism of disease.